The following is an entry in ClinVar:

NM_001271.4(CHD2):c.5246C>G (p.Pro1749Arg)

Gene: CHD2 (chromodomain helicase DNA binding protein 2; plus strand). Cytogenetic location: 15q26.1.
Variant type: single nucleotide variant.
Coding change: c.5246C>G on transcript NM_001271.4 (MANE Select); coding-DNA position 5246, C replaced by G.
Protein change: p.Pro1749Arg; replaces proline 1749 with arginine.
Molecular consequence: missense variant.
Genome position (GRCh38, 1-based): chr15:93,024,464, C>G. VCF-style: chr15-93024464-C-G. GRCh37 (hg19) VCF-style: chr15-93567694-C-G.
Other names: short protein forms P1749R.
Identifiers: ClinVar variation 2428929 (VCV002428929.3), dbSNP rs370256848, ClinGen allele CA7748708.

ClinVar aggregate classification (germline): Uncertain significance (1 of 4 stars; one submission).

Allele frequency attached by ClinVar (database versions not stated): ExAC 0.00001; ESP Exome Variant Server 0.00008.
gnomAD v4.1: 3 of 1,614,078 alleles (0.00019%); highest among the groups gnomAD compares: Non-Finnish European, 0.00017%; no homozygotes.

Submission:

GeneDx
Classification: Uncertain significance. Last evaluated: 2022-08-01. Review status: criteria provided, single submitter. Criteria: GeneDx Variant Classification Process June 2021. Collection method: clinical testing. Allele origin: germline. Affected: yes.
Comment: In silico analysis supports that this missense variant does not alter protein structure/function; Has not been previously published as pathogenic or benign to our knowledge